The following is an entry in ClinVar:

ClinVar aggregate classification (germline): Uncertain significance (1 of 4 stars; one submission).

gnomAD v4.1: 1 of 1,186,003 alleles (0.000084%); highest among the groups gnomAD compares: Non-Finnish European, 0.00011%; no homozygotes.

Submission:

GeneDx
Classification: Uncertain significance. Last evaluated: 2025-06-21. Review status: criteria provided, single submitter. Criteria: GeneDx Variant Classification Process June 2021. Collection method: clinical testing. Allele origin: germline. Affected: yes.
Comment: Not observed at significant frequency in large population cohorts (gnomAD); In silico analysis supports that this missense variant has a deleterious effect on protein structure/function; Has not been previously published as pathogenic or benign to our knowledge

NM_000292.3(PHKA2):c.797C>T (p.Pro266Leu)

Gene: PHKA2 (phosphorylase kinase regulatory subunit alpha 2; minus strand). Cytogenetic location: Xp22.13.
Variant type: single nucleotide variant.
Coding change: c.797C>T on transcript NM_000292.3 (MANE Select); coding-DNA position 797, C replaced by T.
Protein change: p.Pro266Leu; replaces proline 266 with leucine.
Molecular consequence: missense variant.
Genome position (GRCh38, 1-based): chrX:18,941,596, G>A on the plus strand (C>T on the coding strand, the complement: PHKA2 is on the minus strand). VCF-style: chrX-18941596-G-A. GRCh37 (hg19) VCF-style: chrX-18959714-G-A.
Other names: c.797C>T, p.Pro266Leu (NM_001440800.1, NM_001440801.1, NM_001440805.1); c.698C>T, p.Pro233Leu (NM_001440802.1, NM_001440803.1, NM_001440804.1); short protein forms P233L, P266L.
Identifiers: ClinVar variation 4539980 (VCV004539980.1).
Genomic context (GRCh38, chrX:18,941,596, plus strand): 5'-TTAGAAATAATTTCATTTTTGGTCACATTTACAAGGTTTACATCTTCCACTGCAAAGGCC[G>A]GGAAGGAAATAATGGAAAGAAGTCCAGCATCAATTTCTTTAGATGTCGACGCTCTTGGCA-3'
Protein context (NP_000283.1, residues 256-276): DAGLLSIISF[Pro266Leu]AFAVEDVNLV